The following is an entry in ClinVar:

ClinVar aggregate classification (germline): Uncertain significance (1 of 4 stars; one submission).

Conditions:
Hereditary cancer-predisposing syndrome. Also called: Tumor predisposition; Hereditary neoplastic syndrome; Hereditary Cancer Syndrome; Neoplastic Syndromes, Hereditary. Identifiers: Orphanet 140162, MedGen C0027672, MeSH D009386, MONDO:0015356.

Submission:

Ambry Genetics
Classification: Uncertain significance for Hereditary cancer-predisposing syndrome. Last evaluated: 2023-10-13. Review status: criteria provided, single submitter. Criteria: Ambry Variant Classification Scheme 2023. Collection method: clinical testing. Allele origin: germline.
Comment: The c.1839_1844dupAGACAG variant (also known as p.D614_R615dup), located in coding exon 6 of the AXIN2 gene, results from an in-frame duplication of AGACAG at nucleotide positions 1839 to 1844. This results in the duplication of 2 extra residues (DR) between codons 614 and 615. This amino acid region is well conserved in available vertebrate species. In addition, the in silico prediction for this alteration is inconclusive (Choi Y et al. PLoS ONE. 2012; 7(10):e46688). Since supporting evidence is limited at this time, the clinical significance of this alteration remains unclear.

NM_004655.4(AXIN2):c.1839_1844dup (p.Arg615_Ser616insAspArg)

Gene: AXIN2 (axin 2; minus strand). Cytogenetic location: 17q24.1.
Variant type: Duplication.
Coding change: c.1839_1844dup on transcript NM_004655.4 (MANE Select); coding-DNA positions 1839 to 1844, 6 bases duplicated (AGACAG; older notation c.1839_1844dupAGACAG).
Protein change: p.Arg615_Ser616insAspArg.
Molecular consequence: inframe insertion. On other transcripts: inframe indel (1), intron variant (1).
Genome position (GRCh38, 1-based): chr17:65,536,932-65,536,937, CTGTCT duplicated on the plus strand (AGACAG on the coding strand, the reverse complement: AXIN2 is on the minus strand); duplicating any 6 consecutive bases within chr17:65,536,932-65,536,938 gives the same sequence; the c. name uses the placement nearest the transcript's 3' end. VCF-style (leftmost placement, unchanged base first): chr17-65536931-C-CCTGTCT. GRCh37 (hg19) VCF-style: chr17-63533049-C-CCTGTCT.
Other names: c.1839_1844dupAGACAG (NM_004655.3); c.1713-384_1713-379dup (NM_001363813.1).
Identifiers: ClinVar variation 3224380 (VCV003224380.1), dbSNP rs2509407297, ClinGen allele CA2825002594.